The following is an entry in ClinVar:

NM_032737.4(LMNB2):c.1244C>T (p.Ser415Leu)

Gene: LMNB2 (lamin B2; minus strand). Cytogenetic location: 19p13.3.
Variant type: single nucleotide variant.
Coding change: c.1244C>T on transcript NM_032737.4 (MANE Select); coding-DNA position 1244, C replaced by T.
Protein change: p.Ser415Leu; replaces serine 415 with leucine.
Molecular consequence: missense variant.
Genome position (GRCh38, 1-based): chr19:2,434,064, G>A on the plus strand (C>T on the coding strand, the complement: LMNB2 is on the minus strand). VCF-style: chr19-2434064-G-A. GRCh37 (hg19) VCF-style: chr19-2434062-G-A.
Other names: short protein forms S415L.
Identifiers: ClinVar variation 542427 (VCV000542427.9), dbSNP rs201335788, ClinGen allele CA304225398.
Genomic context (GRCh38, chr19:2,434,064, plus strand): 5'-TTACTGCGGCCCAGGCGCCCGGTGGCGGACAAGCTGCCGCTGCTGCTCGAGGTGGCTCGT[G>A]AGACGGTGACGCGCGAGGATGGGCTGGGGGACAGCTTCAGCCTGTGGGGAAGGCAAGGAA-3'
Protein context (NP_116126.3, residues 405-425): SPSPSSRVTV[Ser415Leu]RATSSSSGSL

ClinVar aggregate classification (germline): Uncertain significance (1 of 4 stars; one submission).

Conditions:
Lipodystrophy, partial, acquired, susceptibility to (APLD). Also called: APLD, SUSCEPTIBILITY TO. Identifiers: MedGen C3887501, MONDO:0100476, OMIM 608709.
Progressive myoclonic epilepsy type 9. Identifiers: Orphanet 457265, MedGen C4225289, MONDO:0014685, OMIM 616540.

Allele frequency attached by ClinVar (database versions not stated): gnomAD exomes below 0.00001; gnomAD 0.00001; TOPMed 0.00001; 1000 Genomes Project 30x 0.00016; 1000 Genomes Project 0.00020.
gnomAD v4.1: 4 of 1,598,686 alleles (0.00025%); highest among the groups gnomAD compares: East Asian, 0.009%; no homozygotes.

Submission:

Labcorp Genetics (formerly Invitae), Labcorp
Classification: Uncertain significance for Progressive myoclonic epilepsy type 9; Lipodystrophy, partial, acquired, susceptibility to. Last evaluated: 2024-09-05. Review status: criteria provided, single submitter. Criteria: Invitae Variant Classification Sherloc (09022015). Collection method: clinical testing. Allele origin: germline.
Comment: This sequence change replaces serine, which is neutral and polar, with leucine, which is neutral and non-polar, at codon 415 of the LMNB2 protein (p.Ser415Leu). The frequency data for this variant in the population databases is considered unreliable, as metrics indicate poor data quality at this position in the gnomAD database. This variant has not been reported in the literature in individuals affected with LMNB2-related conditions. ClinVar contains an entry for this variant (Variation ID: 542427). Invitae Evidence Modeling of protein sequence and biophysical properties (such as structural, functional, and spatial information, amino acid conservation, physicochemical variation, residue mobility, and thermodynamic stability) indicates that this missense variant is not expected to disrupt LMNB2 protein function with a negative predictive value of 80%. In summary, the available evidence is currently insufficient to determine the role of this variant in disease. Therefore, it has been classified as a Variant of Uncertain Significance.